The following is an entry in ClinVar:

ClinVar aggregate classification (germline): Uncertain significance (1 of 4 stars; one submission).

Submission:

GeneDx
Classification: Uncertain significance. Last evaluated: 2026-01-31. Review status: criteria provided, single submitter. Criteria: GeneDx Variant Classification Process June 2021. Collection method: clinical testing. Allele origin: germline. Affected: yes.
Comment: Not observed at significant frequency in large population cohorts (gnomAD); In silico analysis supports that this missense variant has a deleterious effect on protein structure/function; Has not been previously published as pathogenic or benign to our knowledge

NM_001348323.3(TRIP12):c.1927G>C (p.Asp643His)

Gene: TRIP12 (thyroid hormone receptor interactor 12; minus strand). Cytogenetic location: 2q36.3.
Variant type: single nucleotide variant.
Coding change: c.1927G>C on transcript NM_001348323.3 (MANE Select); coding-DNA position 1927, G replaced by C.
Protein change: p.Asp643His; replaces aspartic acid 643 with histidine.
Molecular consequence: missense variant.
Genome position (GRCh38, 1-based): chr2:229,813,929, C>G on the plus strand (G>C on the coding strand, the complement: TRIP12 is on the minus strand). VCF-style: chr2-229813929-C-G. GRCh37 (hg19) VCF-style: chr2-230678645-C-G.
Other names: c.1927G>C, p.Asp643His (NM_001284214.2, NM_001348315.2, NM_001348319.1 and 11 more transcripts); c.1801G>C, p.Asp601His (NM_001284215.2, NM_001348316.2, NM_001348317.1 and 2 more transcripts); c.892G>C, p.Asp298His (NM_001284216.2); c.1840G>C, p.Asp614His (NM_001348332.1); c.1783G>C, p.Asp595His (NM_004238.3); short protein forms D298H, D595H, D601H, D614H, D643H.
Identifiers: ClinVar variation 1338893 (VCV001338893.4), dbSNP rs2154281345, ClinGen allele CA350921223.